The following is an entry in ClinVar:

NM_001134407.3(GRIN2A):c.89G>A (p.Gly30Asp)

Gene: GRIN2A (glutamate ionotropic receptor NMDA type subunit 2A; minus strand). Cytogenetic location: 16p13.2.
Variant type: single nucleotide variant.
Coding change: c.89G>A on transcript NM_001134407.3 (MANE Select); coding-DNA position 89, G replaced by A.
Protein change: p.Gly30Asp; replaces glycine 30 with aspartic acid.
Molecular consequence: missense variant.
Genome position (GRCh38, 1-based): chr16:10,180,323, C>T on the plus strand (G>A on the coding strand, the complement: GRIN2A is on the minus strand). VCF-style: chr16-10180323-C-T. GRCh37 (hg19) VCF-style: chr16-10274180-C-T.
Other names: c.89G>A, p.Gly30Asp (NM_000833.5, NM_001134408.2); short protein forms G30D.
Identifiers: ClinVar variation 598111 (VCV000598111.10), dbSNP rs1567354651, ClinGen allele CA394715751.
Genomic context (GRCh38, chr16:10,180,323, plus strand): 5'-TCGCGCTCTGTCACGTCGTGGCTGTGACCCAGCATCACCGCAATATTTAGCGCGGGGGGA[C>T]CCTTCTCCGCCGCCGCGCTCGGCGCCGGACCGCGCCAGACCAGAAGGGCCGGCAGCACCA-3'
Protein context (NP_001127879.1, residues 20-40): GPAPSAAAEK[Gly30Asp]PPALNIAVML

ClinVar aggregate classification (germline): Uncertain significance. Review status: criteria provided, multiple submitters, no conflicts (2 of 4 stars). 2 submissions from 2 submitters: Uncertain significance (2). Last evaluated 2025-09-02.

Conditions:
Landau-Kleffner syndrome (FESD). Also called: EPILEPSY, FOCAL, WITH SPEECH DISORDER AND WITH OR WITHOUT MENTAL RETARDATION; APHASIA, ACQUIRED, WITH EPILEPSY. Identifiers: Orphanet 1945, Orphanet 725, Orphanet 98818, MedGen C0282512, MONDO:0009509, OMIM 245570.

Allele frequency attached by ClinVar (database versions not stated): TOPMed below 0.00001.

Submissions (2):

Labcorp Genetics (formerly Invitae), Labcorp
Classification: Uncertain significance for Landau-Kleffner syndrome. Last evaluated: 2025-09-02. Review status: criteria provided, single submitter. Criteria: Invitae Variant Classification Sherloc (09022015). Collection method: clinical testing. Allele origin: germline.
Comment: This sequence change replaces glycine, which is neutral and non-polar, with aspartic acid, which is acidic and polar, at codon 30 of the GRIN2A protein (p.Gly30Asp). This variant is not present in population databases (gnomAD no frequency). This variant has not been reported in the literature in individuals affected with GRIN2A-related conditions. ClinVar contains an entry for this variant (Variation ID: 598111). Invitae Evidence Modeling of protein sequence and biophysical properties (such as structural, functional, and spatial information, amino acid conservation, physicochemical variation, residue mobility, and thermodynamic stability) indicates that this missense variant is not expected to disrupt GRIN2A protein function with a negative predictive value of 95%. In summary, the available evidence is currently insufficient to determine the role of this variant in disease. Therefore, it has been classified as a Variant of Uncertain Significance.

Eurofins Ntd Llc (ga)
Classification: Uncertain significance. Last evaluated: 2018-08-10. Review status: criteria provided, single submitter. Criteria: EGL ClinVar v180209 classification definitions. Collection method: clinical testing. Allele origin: germline. Observed: 1 variant allele, 1 heterozygote.